The following is an entry in ClinVar:

ClinVar aggregate classification (germline): Likely pathogenic (1 of 4 stars; one submission).

Conditions:
Infantile nephronophthisis (NPHP2). Also called: Nephronophthisis 2; Nephronophthisis 2, infantile. Identifiers: Orphanet 655, Orphanet 93591, MedGen C1865872, MONDO:0011190, OMIM 602088.

Submission:

Juno Genomics, Hangzhou Juno Genomics, Inc
Classification: Likely pathogenic for Infantile nephronophthisis. Review status: criteria provided, single submitter. Criteria: ACMG Guidelines, 2015. Collection method: clinical testing. Allele origin: germline. Affected: yes.
Comment: Absent from controls (or at extremely low frequency if recessive) in Genome Aggregation Database, Exome Sequencing Project, 1000 Genomes Project, or Exome Aggregation Consortium.;Null variant in a gene where loss of function (LOF) is a known mechanism of disease.

NM_014425.5(INVS):c.133_134del (p.Asp45fs)

Gene: INVS (inversin; plus strand). Cytogenetic location: 9q31.1.
Variant type: Deletion.
Coding change: c.133_134del on transcript NM_014425.5 (MANE Select); coding-DNA positions 133 to 134, 2 bases deleted (GA; older notation c.133_134delGA).
Protein change: p.Asp45fs; shifts the reading frame from aspartic acid 45.
Molecular consequence: frameshift variant. On other transcripts: 5 prime UTR variant (2), non-coding transcript variant (1).
Genome position (GRCh38, 1-based): chr9:100,126,409-100,126,410, GA deleted; deleting any 2 consecutive bases within chr9:100,126,408-100,126,410 gives the same sequence; the c. name uses the placement nearest the transcript's 3' end. VCF-style (leftmost placement, unchanged base first): chr9-100126407-AAG-A. GRCh37 (hg19) VCF-style: chr9-102888689-AAG-A.
Other names: c.-244_-243del (NM_001318381.2); c.-857_-856del (NM_001318382.2); short protein forms D45fs.
Identifiers: ClinVar variation 3382164 (VCV003382164.2).